The following is an entry in ClinVar:

NM_014780.5(CUL7):c.2647G>A (p.Gly883Ser)

Gene: CUL7 (cullin 7; minus strand). Cytogenetic location: 6p21.1.
Variant type: single nucleotide variant.
Coding change: c.2647G>A on transcript NM_014780.5 (MANE Select); coding-DNA position 2647, G replaced by A.
Protein change: p.Gly883Ser; replaces glycine 883 with serine.
Molecular consequence: missense variant.
Genome position (GRCh38, 1-based): chr6:43,046,249, C>T on the plus strand (G>A on the coding strand, the complement: CUL7 is on the minus strand). VCF-style: chr6-43046249-C-T. GRCh37 (hg19) VCF-style: chr6-43013987-C-T.
Other names: c.2743G>A, p.Gly915Ser (NM_001168370.2, NM_001374872.1); c.2647G>A, p.Gly883Ser (NM_001374873.1, NM_001374874.1); short protein forms G883S, G915S.
Identifiers: ClinVar variation 593585 (VCV000593585.9), dbSNP rs368465274, ClinGen allele CA3813774.
Genomic context (GRCh38, chr6:43,046,249, plus strand): 5'-ACAGGAAAGCACACGTGTGTGGCAAAGCACATGTGTGGGAGAGTTACCTGATGAGGATGC[C>T]CCGGCGCATGTGCAGGGTGATGTAGTGGGAGCCGGCGCTGCCGTTGGACTCCCAATAGGT-3'
Protein context (NP_055595.2, residues 873-893): SHYITLHMRR[Gly883Ser]ILIRQLTLLV

ClinVar aggregate classification (germline): Uncertain significance. Review status: criteria provided, multiple submitters, no conflicts (2 of 4 stars). 2 submissions from 2 submitters: Uncertain significance (2). Last evaluated 2024-11-07.

gnomAD v4.1: 1 of 1,614,188 alleles (0.000062%); highest among the groups gnomAD compares: Non-Finnish European, 0.000085%; no homozygotes.

Submissions (2):

Labcorp Genetics (formerly Invitae), Labcorp
Classification: Uncertain significance. Last evaluated: 2024-11-07. Review status: criteria provided, single submitter. Criteria: Invitae Variant Classification Sherloc (09022015). Collection method: clinical testing. Allele origin: germline.
Comment: This sequence change replaces glycine, which is neutral and non-polar, with serine, which is neutral and polar, at codon 883 of the CUL7 protein (p.Gly883Ser). This variant is present in population databases (rs368465274, gnomAD 0.0009%). This variant has not been reported in the literature in individuals affected with CUL7-related conditions. ClinVar contains an entry for this variant (Variation ID: 593585). Invitae Evidence Modeling of protein sequence and biophysical properties (such as structural, functional, and spatial information, amino acid conservation, physicochemical variation, residue mobility, and thermodynamic stability) has been performed for this missense variant. However, the output from this modeling did not meet the statistical confidence thresholds required to predict the impact of this variant on CUL7 protein function. In summary, the available evidence is currently insufficient to determine the role of this variant in disease. Therefore, it has been classified as a Variant of Uncertain Significance.

Eurofins Ntd Llc (ga)
Classification: Uncertain significance. Last evaluated: 2017-08-21. Review status: criteria provided, single submitter. Criteria: EGL Classification Definitions 2015. Collection method: clinical testing. Allele origin: germline. Observed: 1 variant allele, 1 heterozygote.